The following is an entry in ClinVar:

ClinVar aggregate classification (germline): Likely pathogenic (1 of 4 stars; one submission).

Allele frequency attached by ClinVar (database versions not stated): gnomAD exomes 0.00001.
gnomAD v4.1: 7 of 1,613,590 alleles (0.00043%); highest among the groups gnomAD compares: Non-Finnish European, 0.00059%; no homozygotes.

Submission:

Labcorp Genetics (formerly Invitae), Labcorp
Classification: Likely pathogenic. Last evaluated: 2022-10-19. Review status: criteria provided, single submitter. Criteria: Invitae Variant Classification Sherloc (09022015). Collection method: clinical testing. Allele origin: germline.
Comment: This sequence change replaces tryptophan, which is neutral and slightly polar, with glycine, which is neutral and non-polar, at codon 1382 of the USH2A protein (p.Trp1382Gly). This variant is not present in population databases (gnomAD no frequency). This missense change has been observed in individual(s) with Usher syndrome (PMID: 26927203). Advanced modeling of protein sequence and biophysical properties (such as structural, functional, and spatial information, amino acid conservation, physicochemical variation, residue mobility, and thermodynamic stability) performed at Invitae indicates that this missense variant is expected to disrupt USH2A protein function. This variant disrupts the p.Trp1382 amino acid residue in USH2A. Other variant(s) that disrupt this residue have been determined to be pathogenic (PMID: 25558175). This suggests that this residue is clinically significant, and that variants that disrupt this residue are likely to be disease-causing. In summary, the currently available evidence indicates that the variant is pathogenic, but additional data are needed to prove that conclusively. Therefore, this variant has been classified as Likely Pathogenic.

Literature cited by the submitters: PubMed 26927203; PubMed 25558175.

NM_206933.4(USH2A):c.4144T>G (p.Trp1382Gly)

Genes: USH2A (usherin; minus strand), USH2A-AS1 (USH2A antisense RNA 1; plus strand). Cytogenetic location: 1q41.
Variant type: single nucleotide variant.
Coding change: c.4144T>G on transcript NM_206933.4 (MANE Select); coding-DNA position 4144, T replaced by G.
Protein change: p.Trp1382Gly; replaces tryptophan 1382 with glycine.
Molecular consequence: missense variant.
Genome position (GRCh38, 1-based): chr1:216,196,660, A>C on the plus strand (T>G on the coding strand, the complement: USH2A is on the minus strand). VCF-style: chr1-216196660-A-C. GRCh37 (hg19) VCF-style: chr1-216370002-A-C.
Other names: c.4144T>G, p.Trp1382Gly (NM_007123.6); short protein forms W1382G.
Identifiers: ClinVar variation 2202966 (VCV002202966.4), dbSNP rs2528035765, ClinGen allele CA344866529.